The following is an entry in ClinVar:

NM_001267550.2(TTN):c.48595T>C (p.Ser16199Pro)

Genes: TTN (titin; minus strand), TTN-AS1 (TTN antisense RNA 1; plus strand). Cytogenetic location: 2q31.2.
Variant type: single nucleotide variant.
Coding change: c.48595T>C on transcript NM_001267550.2 (MANE Select); coding-DNA position 48595, T replaced by C.
Protein change: p.Ser16199Pro; replaces serine 16199 with proline.
Molecular consequence: missense variant. On other transcripts: non-coding transcript variant (1).
Genome position (GRCh38, 1-based): chr2:178,615,350, A>G on the plus strand (T>C on the coding strand, the complement: TTN is on the minus strand). VCF-style: chr2-178615350-A-G. GRCh37 (hg19) VCF-style: chr2-179480077-A-G.
Other names: c.43672T>C, p.Ser14558Pro (NM_001256850.1); c.21400T>C, p.Ser7134Pro (NM_003319.4); c.40891T>C, p.Ser13631Pro (NM_133378.4); c.21775T>C, p.Ser7259Pro (NM_133432.3); c.21976T>C, p.Ser7326Pro (NM_133437.4); short protein forms S13631P, S16199P, S7259P, S14558P, S7134P, S7326P.
Identifiers: ClinVar variation 191954 (VCV000191954.13), dbSNP rs752629624, ClinGen allele CA237954.

ClinVar aggregate classification (germline): Conflicting classifications of pathogenicity. Review status: criteria provided, conflicting classifications (1 of 4 stars). 11 submissions from 7 submitters: Uncertain significance (7); Likely benign (4). Last evaluated 2024-11-25.

Conditions:
Myopathy, myofibrillar, 9, with early respiratory failure (MFM9). Also called: Hereditary myopathy with early respiratory failure; EDSTROM MYOPATHY; MYOPATHY, PROXIMAL, WITH EARLY RESPIRATORY MUSCLE INVOLVEMENT; Myopathy, distal, with early respiratory failure, autosomal dominant. Identifiers: Orphanet 178464, Orphanet 34521, MedGen C1863599, MONDO:0011362, OMIM 603689.
Hypertrophic cardiomyopathy 9. Also called: Familial hypertrophic cardiomyopathy 9. Identifiers: MedGen C1861065, MONDO:0013412, OMIM 613765.
Early-onset myopathy with fatal cardiomyopathy (CMYO5). Also called: CONGENITAL MYOPATHY 5 WITH CARDIOMYOPATHY; Salih Myopathy. Identifiers: Orphanet 289377, MedGen C2673677, MONDO:0012714, OMIM 611705. Disease mechanism: loss of function.
Tibial muscular dystrophy (TMD). Also called: Tibial muscular dystrophy, tardive; UDD MYOPATHY; Udd Distal Myopathy – Tibial Muscular Dystrophy. Identifiers: Orphanet 609, MedGen C1838244, MONDO:0010870, OMIM 600334.
Autosomal recessive limb-girdle muscular dystrophy type 2J (LGMDR10). Also called: MUSCULAR DYSTROPHY, LIMB-GIRDLE, AUTOSOMAL RECESSIVE 10; Limb-girdle muscular dystrophy, type 2J. Identifiers: Orphanet 140922, MedGen C1837342, MONDO:0012127, OMIM 608807.
Dilated cardiomyopathy 1G (CMD1G). Identifiers: Orphanet 154, MedGen C1858763, MONDO:0011400, OMIM 604145.
Cardiomyopathy (CMYO). Also called: Cardiomyopathies. Identifiers: Orphanet 167848, MedGen C0878544, MONDO:0004994, HP:0001638. Inheritance: Various modes of inheritance.

Allele frequency attached by ClinVar (database versions not stated): ExAC 0.00002; TOPMed 0.00005; gnomAD 0.00006 and 0.00007; gnomAD exomes 0.00006 and 0.00011.
gnomAD v4.1: 176 of 1,612,354 alleles (0.011%); highest among the groups gnomAD compares: Non-Finnish European, 0.014%; no homozygotes.

Submissions (11):

Blueprint Genetics
Classification: Likely benign. Last evaluated: 2024-11-25. Review status: criteria provided, single submitter. Criteria: ACMG Guidelines, 2015. Collection method: clinical testing. Allele origin: germline.

Fulgent Genetics
Classification: Uncertain significance for Tibial muscular dystrophy; Myopathy, myofibrillar, 9, with early respiratory failure; Dilated cardiomyopathy 1G; Autosomal recessive limb-girdle muscular dystrophy type 2J; Early-onset myopathy with fatal cardiomyopathy; Hypertrophic cardiomyopathy 9. Last evaluated: 2024-01-23. Review status: criteria provided, single submitter. Criteria: ACMG Guidelines, 2015. Collection method: clinical testing. Allele origin: germline.

Revvity Omics, Revvity
Classification: Uncertain significance. Last evaluated: 2023-01-13. Review status: criteria provided, single submitter. Criteria: ACMG Guidelines, 2015. Collection method: clinical testing. Allele origin: germline.

CHEO Genetics Diagnostic Laboratory, Children's Hospital of Eastern Ontario
Classification: Uncertain significance for Cardiomyopathy. Last evaluated: 2021-02-02. Review status: criteria provided, single submitter. Criteria: ACMG Guidelines, 2015. Collection method: clinical testing. Allele origin: germline.

GeneDx
Classification: Likely benign. Last evaluated: 2019-06-04. Review status: criteria provided, single submitter. Criteria: GeneDx Variant Classification Process June 2021. Collection method: clinical testing. Allele origin: germline. Affected: yes.
Comment: This variant is associated with the following publications: (PMID: 31983221)

Illumina Laboratory Services, Illumina
Classification: Likely benign for Tibial muscular dystrophy. Last evaluated: 2018-01-13. Review status: criteria provided, single submitter. Criteria: ICSL Variant Classification Criteria 13 December 2019. Collection method: clinical testing. Allele origin: germline.
Comment: This variant was observed in the ICSL laboratory as part of a predisposition screen in an ostensibly healthy population. It had not been previously curated by ICSL or reported in the Human Gene Mutation Database (HGMD: prior to June 1st, 2018), and was therefore a candidate for classification through an automated scoring system. Utilizing variant allele frequency, disease prevalence and penetrance estimates, and inheritance mode, an automated score was calculated to assess if this variant is too frequent to cause the disease. Based on the score and internal cut-off values, a variant classified as likely benign is not then subjected to further curation. The score for this variant resulted in a classification of likely benign for this disease.

Illumina Laboratory Services, Illumina
Classification: Uncertain significance for Autosomal recessive limb-girdle muscular dystrophy type 2J. Last evaluated: 2018-01-13. Review status: criteria provided, single submitter. Criteria: ICSL Variant Classification Criteria 13 December 2019. Collection method: clinical testing. Allele origin: germline.

Illumina Laboratory Services, Illumina
Classification: Uncertain significance for Dilated cardiomyopathy 1G. Last evaluated: 2018-01-13. Review status: criteria provided, single submitter. Criteria: ICSL Variant Classification Criteria 13 December 2019. Collection method: clinical testing. Allele origin: germline.

Illumina Laboratory Services, Illumina
Classification: Uncertain significance for Early-onset myopathy with fatal cardiomyopathy. Last evaluated: 2018-01-13. Review status: criteria provided, single submitter. Criteria: ICSL Variant Classification Criteria 13 December 2019. Collection method: clinical testing. Allele origin: germline.

Illumina Laboratory Services, Illumina
Classification: Likely benign for Myopathy, myofibrillar, 9, with early respiratory failure. Last evaluated: 2018-01-13. Review status: criteria provided, single submitter. Criteria: ICSL Variant Classification Criteria 13 December 2019. Collection method: clinical testing. Allele origin: germline.
Comment: the same text as in the submission from Illumina Laboratory Services, Illumina above.

Biesecker Lab/Clinical Genomics Section, National Institutes of Health
Classification: Uncertain significance. Last evaluated: 2013-06-24. Review status: criteria provided, single submitter. Criteria: Ng et al. (Circ Cardiovasc Genet. 2013). Collection method: research. Allele origin: unknown. Observed: 1 variant allele. Study: ClinSeq.
Comment: The study set was not selected for affection status in relation to any cancer. Pathogenicity categories were based on literature curation. See Pubmed ID:23861362 for details.

Medical sequencing